The following is an entry in ClinVar:

ClinVar aggregate classification (germline): Uncertain significance. Review status: criteria provided, single submitter (1 of 4 stars). 2 submissions from 2 submitters: Uncertain significance (1). 1 of the submissions does not count toward it. Last evaluated 2024-10-24.

Conditions:
LMNB2-related disorder. Also called: LMNB2-related condition.
Progressive myoclonic epilepsy type 9. Identifiers: Orphanet 457265, MedGen C4225289, MONDO:0014685, OMIM 616540.
Lipodystrophy, partial, acquired, susceptibility to (APLD). Also called: APLD, SUSCEPTIBILITY TO. Identifiers: MedGen C3887501, MONDO:0100476, OMIM 608709.

Submissions (2):

Labcorp Genetics (formerly Invitae), Labcorp
Classification: Uncertain significance for Progressive myoclonic epilepsy type 9; Lipodystrophy, partial, acquired, susceptibility to. Last evaluated: 2024-10-24. Review status: criteria provided, single submitter. Criteria: Invitae Variant Classification Sherloc (09022015). Collection method: clinical testing. Allele origin: germline.
Comment: This sequence change replaces alanine, which is neutral and non-polar, with glycine, which is neutral and non-polar, at codon 596 of the LMNB2 protein (p.Ala596Gly). This variant is not present in population databases (gnomAD no frequency). This variant has not been reported in the literature in individuals affected with LMNB2-related conditions. An algorithm developed to predict the effect of missense changes on protein structure and function (PolyPhen-2) suggests that this variant is likely to be tolerated. In summary, the available evidence is currently insufficient to determine the role of this variant in disease. Therefore, it has been classified as a Variant of Uncertain Significance.

PreventionGenetics, part of Exact Sciences
Classification: Uncertain significance for LMNB2-related condition. Last evaluated: 2024-06-19. Review status: no assertion criteria provided. Collection method: clinical testing. Allele origin: germline. Not counted in ClinVar's aggregate classification.
Comment: The LMNB2 c.1787C>G variant is predicted to result in the amino acid substitution p.Ala596Gly. To our knowledge, this variant has not been reported in the literature or in a large population database, indicating this variant is rare. At this time, the clinical significance of this variant is uncertain due to the absence of conclusive functional and genetic evidence.

NM_032737.4(LMNB2):c.1787C>G (p.Ala596Gly)

Gene: LMNB2 (lamin B2; minus strand). Cytogenetic location: 19p13.3.
Variant type: single nucleotide variant.
Coding change: c.1787C>G on transcript NM_032737.4 (MANE Select); coding-DNA position 1787, C replaced by G.
Protein change: p.Ala596Gly; replaces alanine 596 with glycine.
Molecular consequence: missense variant.
Genome position (GRCh38, 1-based): chr19:2,431,582, G>C on the plus strand (C>G on the coding strand, the complement: LMNB2 is on the minus strand). VCF-style: chr19-2431582-G-C. GRCh37 (hg19) VCF-style: chr19-2431580-G-C.
Other names: c.1787C>G (NM_032737.3); short protein forms A596G.
Identifiers: ClinVar variation 2937888 (VCV002937888.4), dbSNP rs2512232167, ClinGen allele CA403248915.
Genomic context (GRCh38, chr19:2,431,582, plus strand): 5'-GCCGCAAGTGGGCACAGGGGTCCTACCTGTTGGTGGAAAAGATCCTCCTCGCCAAACTCG[G>C]CTTCCTCCTCCTCTTCCTCCCCATTCTCATTCTCACGCATCACCGAGGACTTCTTCACAG-3'
Protein context (NP_116126.3, residues 586-606): NENGEEEEEE[Ala596Gly]EFGEEDLFHQ